The following is an entry in ClinVar:

NM_002025.4(AFF2):c.1697T>A (p.Met566Lys)

Gene: AFF2 (ALF transcription elongation factor 2; plus strand). Cytogenetic location: Xq28.
Variant type: single nucleotide variant.
Coding change: c.1697T>A on transcript NM_002025.4 (MANE Select); coding-DNA position 1697, T replaced by A.
Protein change: p.Met566Lys; replaces methionine 566 with lysine.
Molecular consequence: missense variant.
Genome position (GRCh38, 1-based): chrX:148,955,742, T>A. VCF-style: chrX-148955742-T-A. GRCh37 (hg19) VCF-style: chrX-148037272-T-A.
Other names: c.1598T>A, p.Met533Lys (NM_001169122.2); c.1667T>A, p.Met556Lys (NM_001169123.2); c.1592T>A, p.Met531Lys (NM_001169124.2); c.1580T>A, p.Met527Lys (NM_001169125.2); c.620T>A, p.Met207Lys (NM_001170628.1); short protein forms M207K, M527K, M531K, M533K, M556K, M566K.
Identifiers: ClinVar variation 4821756 (VCV004821756.4).
Genomic context (GRCh38, chrX:148,955,742, plus strand): 5'-GTGGCCAAAATGAAACACCCATGGAGACTATTTCTCTGCCTCCTCCAATCATCCAACCAA[T>A]GGAAGTCCAGATGAAAGTGAAGACGAATGCCAGTCAGGTCCCAGCTGAACCCAAAGAAAG-3'
Protein context (NP_002016.2, residues 556-576): ISLPPPIIQP[Met566Lys]EVQMKVKTNA

ClinVar aggregate classification (germline): Likely benign (1 of 4 stars; one submission).

gnomAD v4.1: 11 of 1,209,744 alleles (0.00091%); highest among the groups gnomAD compares: Middle Eastern, 0.069%; no homozygotes.

Submission:

CeGaT Center for Human Genetics Tuebingen
Classification: Likely benign. Last evaluated: 2026-03-01. Review status: criteria provided, single submitter. Criteria: CeGaT Center For Human Genetics Tuebingen Variant Classification Criteria Version 2. Collection method: clinical testing. Allele origin: germline. Affected: yes. Observed: 1 variant allele.
Comment: AFF2: BP4